The following is an entry in ClinVar:

NM_000186.4(CFH):c.1575G>T (p.Trp525Cys)

Gene: CFH (complement factor H; plus strand). Cytogenetic location: 1q31.3.
Variant type: single nucleotide variant.
Coding change: c.1575G>T on transcript NM_000186.4 (MANE Select); coding-DNA position 1575, G replaced by T.
Protein change: p.Trp525Cys; replaces tryptophan 525 with cysteine.
Molecular consequence: missense variant.
Genome position (GRCh38, 1-based): chr1:196,715,648, G>T. VCF-style: chr1-196715648-G-T. GRCh37 (hg19) VCF-style: chr1-196684778-G-T.
Other names: short protein forms W525C.
Identifiers: ClinVar variation 2745976 (VCV002745976.3), dbSNP rs2529474597, ClinGen allele CA343982928.

ClinVar aggregate classification (germline): Uncertain significance (1 of 4 stars; one submission).

Submission:

Labcorp Genetics (formerly Invitae), Labcorp
Classification: Uncertain significance. Last evaluated: 2023-08-02. Review status: criteria provided, single submitter. Criteria: Invitae Variant Classification Sherloc (09022015). Collection method: clinical testing. Allele origin: germline.
Comment: This sequence change replaces tryptophan, which is neutral and slightly polar, with cysteine, which is neutral and slightly polar, at codon 525 of the CFH protein (p.Trp525Cys). This variant is not present in population databases (gnomAD no frequency). This variant has not been reported in the literature in individuals affected with CFH-related conditions. An algorithm developed to predict the effect of missense changes on protein structure and function (PolyPhen-2) suggests that this variant is likely to be disruptive. Algorithms developed to predict the effect of sequence changes on RNA splicing suggest that this variant may create or strengthen a splice site. In summary, the available evidence is currently insufficient to determine the role of this variant in disease. Therefore, it has been classified as a Variant of Uncertain Significance.